The following is an entry in ClinVar:

ClinVar aggregate classification (germline): Uncertain significance. Review status: criteria provided, multiple submitters, no conflicts (2 of 4 stars). 2 submissions from 2 submitters: Uncertain significance (2). Last evaluated 2021-04-09.

Conditions:
Inborn genetic diseases. Identifiers: MedGen C0950123, MeSH D030342.
Hereditary sensory and autonomic neuropathy type 6. Also called: HSAN VI; Neuropathy, hereditary sensory and autonomic, type VI. Identifiers: Orphanet 314381, MedGen C3539003, MONDO:0013839, OMIM 614653.
Epidermolysis bullosa simplex 3, localized or generalized intermediate, with BP230 deficiency (EBS3). Also called: Epidermolysis bullosa simplex, autosomal recessive 2; Epidermolysis bullosa simplex due to BP230 deficiency. Identifiers: Orphanet 412181, MedGen C3809470, MONDO:0014180, OMIM 615425.

Allele frequency attached by ClinVar (database versions not stated): gnomAD 0.00001; gnomAD exomes 0.00001; ExAC 0.00002.
gnomAD v4.1: 10 of 1,611,020 alleles (0.00062%); highest among the groups gnomAD compares: Non-Finnish European, 0.00085%; no homozygotes.

Submissions (2):

Ambry Genetics
Classification: Uncertain significance for Inborn genetic diseases. Last evaluated: 2021-04-09. Review status: criteria provided, single submitter. Criteria: Ambry Variant Classification Scheme 2023. Collection method: clinical testing. Allele origin: germline.
Comment: The p.I5336V variant (also known as c.16006A>G), located in coding exon 90 of the DST gene, results from an A to G substitution at nucleotide position 16006. The isoleucine at codon 5336 is replaced by valine, an amino acid with highly similar properties. This amino acid position is highly conserved in available vertebrate species. In addition, the in silico prediction for this alteration is inconclusive. Since supporting evidence is limited at this time, the clinical significance of this alteration remains unclear.

Labcorp Genetics (formerly Invitae), Labcorp
Classification: Uncertain significance for Epidermolysis bullosa simplex 3, localized or generalized intermediate, with BP230 deficiency; Hereditary sensory and autonomic neuropathy type 6. Last evaluated: 2021-02-07. Review status: criteria provided, single submitter. Criteria: Invitae Variant Classification Sherloc (09022015). Collection method: clinical testing. Allele origin: germline.
Comment: In summary, the available evidence is currently insufficient to determine the role of this variant in disease. Therefore, it has been classified as a Variant of Uncertain Significance. Experimental studies and prediction algorithms are not available or were not evaluated, and the functional significance of this variant is currently unknown. This variant has not been reported in the literature in individuals with DST-related conditions. This variant is present in population databases (rs779438104, ExAC 0.004%). This sequence change replaces isoleucine with valine at codon 4832 of the DST protein (p.Ile4832Val). The DST gene has multiple clinically relevant transcripts. This variant occurs in alternate transcript NM_015548.4, and corresponds to NM_001723.5:c.*145276A>G in the primary transcript.

NM_001374736.1(DST):c.22363A>G (p.Ile7455Val)

Gene: DST (dystonin; minus strand). Cytogenetic location: 6p12.1.
Variant type: single nucleotide variant.
Coding change: c.22363A>G on transcript NM_001374736.1 (MANE Select); coding-DNA position 22363, A replaced by G.
Protein change: p.Ile7455Val; replaces isoleucine 7455 with valine.
Molecular consequence: missense variant.
Genome position (GRCh38, 1-based): chr6:56,470,241, T>C on the plus strand (A>G on the coding strand, the complement: DST is on the minus strand). VCF-style: chr6-56470241-T-C. GRCh37 (hg19) VCF-style: chr6-56335039-T-C.
Other names: c.16006A>G, p.Ile5336Val (NM_001144769.5); c.15592A>G, p.Ile5198Val (NM_001144770.2); c.22363A>G, p.Ile7455Val (NM_001374722.1); c.21403A>G, p.Ile7135Val (NM_001374729.1); c.15145A>G, p.Ile5049Val (NM_001374730.1); c.22390A>G, p.Ile7464Val (NM_001374734.1); c.15472A>G, p.Ile5158Val (NM_001386100.1, NM_183380.4); c.14494A>G, p.Ile4832Val (NM_015548.5); short protein forms I4832V, I5049V, I5158V, I5336V, I7135V, I5198V, I7455V, I7464V.
Identifiers: ClinVar variation 1430154 (VCV001430154.8), dbSNP rs779438104, ClinGen allele CA3866276.